The following is an entry in ClinVar:

NM_014845.6(FIG4):c.2669T>G (p.Leu890Arg)

Gene: FIG4 (FIG4 phosphoinositide 5-phosphatase; plus strand). Cytogenetic location: 6q21.
Variant type: single nucleotide variant.
Coding change: c.2669T>G on transcript NM_014845.6 (MANE Select); coding-DNA position 2669, T replaced by G.
Protein change: p.Leu890Arg; replaces leucine 890 with arginine.
Molecular consequence: missense variant.
Genome position (GRCh38, 1-based): chr6:109,825,210, T>G. VCF-style: chr6-109825210-T-G. GRCh37 (hg19) VCF-style: chr6-110146413-T-G.
Other names: short protein forms L890R.
Identifiers: ClinVar variation 1425844 (VCV001425844.5), dbSNP rs2128402689, ClinGen allele CA365225325.

ClinVar aggregate classification (germline): Uncertain significance (1 of 4 stars; one submission).

Conditions:
Charcot-Marie-Tooth disease type 4. Also called: Charcot-Marie-Tooth, Type 4; Charcot-Marie-Tooth disease, type IV. Identifiers: Orphanet 64749, MedGen C4082197, MONDO:0018995.

Submission:

Labcorp Genetics (formerly Invitae), Labcorp
Classification: Uncertain significance for Charcot-Marie-Tooth disease type 4. Last evaluated: 2025-08-08. Review status: criteria provided, single submitter. Criteria: Invitae Variant Classification Sherloc (09022015). Collection method: clinical testing. Allele origin: germline.
Comment: This sequence change replaces leucine, which is neutral and non-polar, with arginine, which is basic and polar, at codon 890 of the FIG4 protein (p.Leu890Arg). This variant is not present in population databases (gnomAD no frequency). This variant has not been reported in the literature in individuals affected with FIG4-related conditions. ClinVar contains an entry for this variant (Variation ID: 1425844). An algorithm developed to predict the effect of missense changes on protein structure and function (PolyPhen-2) suggests that this variant is likely to be tolerated. In summary, the available evidence is currently insufficient to determine the role of this variant in disease. Therefore, it has been classified as a Variant of Uncertain Significance.